The following is an entry in ClinVar:

NM_173354.5(SIK1):c.1969C>G (p.Gln657Glu)

Gene: SIK1 (salt inducible kinase 1; minus strand). Cytogenetic location: 21q22.3.
Variant type: single nucleotide variant.
Coding change: c.1969C>G on transcript NM_173354.5 (MANE Select); coding-DNA position 1969, C replaced by G.
Protein change: p.Gln657Glu; replaces glutamine 657 with glutamic acid.
Molecular consequence: missense variant.
Genome position (GRCh38, 1-based): chr21:43,417,550, G>C on the plus strand (C>G on the coding strand, the complement: SIK1 is on the minus strand). VCF-style: chr21-43417550-G-C. GRCh37 (hg19) VCF-style: chr21-44837430-G-C.
Other names: short protein forms Q657E.
Identifiers: ClinVar variation 1024124 (VCV001024124.11), dbSNP rs2081037328, ClinGen allele CA410606936.

ClinVar aggregate classification (germline): Uncertain significance (1 of 4 stars; one submission).

Conditions:
Developmental and epileptic encephalopathy, 30 (DEE30). Also called: Epileptic encephalopathy, early infantile, 30. Identifiers: MedGen C4225360, MONDO:0014595, OMIM 616341.

Submission:

Labcorp Genetics (formerly Invitae), Labcorp
Classification: Uncertain significance for Developmental and epileptic encephalopathy, 30. Last evaluated: 2020-10-09. Review status: criteria provided, single submitter. Criteria: Invitae Variant Classification Sherloc (09022015). Collection method: clinical testing. Allele origin: germline.
Comment: In summary, the available evidence is currently insufficient to determine the role of this variant in disease. Therefore, it has been classified as a Variant of Uncertain Significance. Algorithms developed to predict the effect of missense changes on protein structure and function are either unavailable or do not agree on the potential impact of this missense change (SIFT: "Deleterious"; PolyPhen-2: "Benign"; Align-GVGD: "Class C0"). This variant has not been reported in the literature in individuals with SIK1-related conditions. This variant is not present in population databases (ExAC no frequency). This sequence change replaces glutamine with glutamic acid at codon 657 of the SIK1 protein (p.Gln657Glu). The glutamine residue is highly conserved and there is a small physicochemical difference between glutamine and glutamic acid.